The following is an entry in ClinVar:

NM_018006.5(TRMU):c.936G>A (p.Trp312Ter)

Gene: TRMU (tRNA mitochondrial 2-thiouridylase; plus strand). Cytogenetic location: 22q13.31.
Variant type: single nucleotide variant.
Coding change: c.936G>A on transcript NM_018006.5 (MANE Select); coding-DNA position 936, G replaced by A.
Protein change: p.Trp312Ter; replaces tryptophan 312 with a stop codon.
Molecular consequence: nonsense. On other transcripts: non-coding transcript variant (2).
Genome position (GRCh38, 1-based): chr22:46,355,506, G>A. VCF-style: chr22-46355506-G-A. GRCh37 (hg19) VCF-style: chr22-46751403-G-A.
Other names: c.*380G>A (NM_001008568.2); c.*474G>A (NM_001008570.2); c.594G>A, p.Trp198Ter (NM_001282782.2); c.516G>A, p.Trp172Ter (NM_001282783.2, NM_001282784.2); c.936G>A, p.Trp312Ter (NM_001282785.2); c.936G>A (NM_018006.4); short protein forms W172*, W198*, W312*.
Identifiers: ClinVar variation 2996998 (VCV002996998.4), dbSNP rs1275469562, ClinGen allele CA411916201.

ClinVar aggregate classification (germline): Pathogenic. Review status: criteria provided, multiple submitters, no conflicts (2 of 4 stars). 2 submissions from 2 submitters: Pathogenic (2). Last evaluated 2024-06-25.

Conditions:
Acute infantile liver failure due to synthesis defect of mtDNA-encoded proteins. Also called: Liver failure acute infantile; LIVER FAILURE, INFANTILE, TRANSIENT; TRMU Deficiency. Identifiers: Orphanet 217371, MedGen C3278664, MONDO:0013111, OMIM 613070.

Allele frequency attached by ClinVar (database versions not stated): gnomAD exomes below 0.00001; TOPMed below 0.00001.
gnomAD v4.1: 1 of 1,613,272 alleles (0.000062%); highest among the groups gnomAD compares: Non-Finnish European, 0.000085%; no homozygotes.

Submissions (2):

Natera, Inc.
Classification: Pathogenic for Acute infantile liver failure due to synthesis defect of mtDNA-encoded proteins. Last evaluated: 2024-06-25. Review status: criteria provided, single submitter. Criteria: Natera Variant Classification Schema (03/2026). Collection method: clinical testing. Allele origin: germline.
Comment: The c.936G>A variant in TRMU is a nonsense variant predicted to introduce a stop codon at amino acid 312. This variant is expected to result in nonsense mediated decay, truncation, or a dysfunctional protein product. This variant is rare in the general population with a frequency below the threshold expected for the associated phenotype(s). This variant has been observed in one or more individuals affected with the associated recessive disease, as either homozygous or compound heterozygous with a second variant (PMID: 36305855). Given the available evidence, this variant is classified as Pathogenic.

Labcorp Genetics (formerly Invitae), Labcorp
Classification: Pathogenic. Last evaluated: 2023-03-13. Review status: criteria provided, single submitter. Criteria: Invitae Variant Classification Sherloc (09022015). Collection method: clinical testing. Allele origin: germline.
Comment: This variant is not present in population databases (gnomAD no frequency). For these reasons, this variant has been classified as Pathogenic. This variant has not been reported in the literature in individuals affected with TRMU-related conditions. This sequence change creates a premature translational stop signal (p.Trp312*) in the TRMU gene. It is expected to result in an absent or disrupted protein product. Loss-of-function variants in TRMU are known to be pathogenic (PMID: 19732863, 23625533).

Literature cited by the submitters: PubMed 36305855 (cited by Natera, Inc.); PubMed 19732863 (cited by Labcorp Genetics (formerly Invitae), Labcorp); PubMed 23625533 (cited by Labcorp Genetics (formerly Invitae), Labcorp).